The following is an entry in ClinVar:

ClinVar aggregate classification (germline): Uncertain significance (1 of 4 stars; one submission).

Conditions:
Heterotaxy, visceral, 8, autosomal (HTX8). Identifiers: MedGen C4310668, MONDO:0014967, OMIM 617205.

Allele frequency attached by ClinVar (database versions not stated): gnomAD 0.00001 and 0.00004; gnomAD exomes 0.00001 and 0.00002; TOPMed 0.00007.
gnomAD v4.1: 20 of 1,564,074 alleles (0.0013%); highest among the groups gnomAD compares: Admixed American, 0.0076%; no homozygotes.

Submission:

Baylor Genetics
Classification: Uncertain significance for Heterotaxy, visceral, 8, autosomal. Last evaluated: 2018-07-05. Review status: criteria provided, single submitter. Criteria: ACMG Guidelines, 2015. Collection method: clinical testing. Allele origin: paternal. Affected: yes.
Comment: This variant was determined to be of uncertain significance according to ACMG Guidelines, 2015 [PMID:25741868].

NM_138295.5(PKD1L1):c.5557C>T (p.Pro1853Ser)

Gene: PKD1L1 (polycystin 1 like 1, transient receptor potential channel interacting; minus strand). Cytogenetic location: 7p12.3.
Variant type: single nucleotide variant.
Coding change: c.5557C>T on transcript NM_138295.5 (MANE Select); coding-DNA position 5557, C replaced by T.
Protein change: p.Pro1853Ser; replaces proline 1853 with serine.
Molecular consequence: missense variant.
Genome position (GRCh38, 1-based): chr7:47,839,658, G>A on the plus strand (C>T on the coding strand, the complement: PKD1L1 is on the minus strand). VCF-style: chr7-47839658-G-A. GRCh37 (hg19) VCF-style: chr7-47879256-G-A.
Other names: short protein forms P1853S.
Identifiers: ClinVar variation 1032411 (VCV001032411.1), dbSNP rs1002732318, ClinGen allele CA158105497.